The following is an entry in ClinVar:

NM_021930.6(RINT1):c.1638C>G (p.Ile546Met)

Gene: RINT1 (RAD50 interactor 1; plus strand). Cytogenetic location: 7q22.3.
Variant type: single nucleotide variant.
Coding change: c.1638C>G on transcript NM_021930.6 (MANE Select); coding-DNA position 1638, C replaced by G.
Protein change: p.Ile546Met; replaces isoleucine 546 with methionine.
Molecular consequence: missense variant.
Genome position (GRCh38, 1-based): chr7:105,555,194, C>G. VCF-style: chr7-105555194-C-G. GRCh37 (hg19) VCF-style: chr7-105195641-C-G.
Other names: c.1404C>G, p.Ile468Met (NM_001346599.2); c.615C>G, p.Ile205Met (NM_001346600.2, NM_001346603.2); c.714C>G, p.Ile238Met (NM_001346601.2); short protein forms I205M, I468M, I238M, I546M.
Identifiers: ClinVar variation 3433646 (VCV003433646.1).

ClinVar aggregate classification (germline): Uncertain significance (1 of 4 stars; one submission).

Submission:

Ambry Genetics
Classification: Uncertain significance. Last evaluated: 2024-11-01. Review status: criteria provided, single submitter. Criteria: Ambry Variant Classification Scheme 2023. Collection method: clinical testing. Allele origin: germline.
Comment: The p.I546M variant (also known as c.1638C>G), located in coding exon 11 of the RINT1 gene, results from a C to G substitution at nucleotide position 1638. The isoleucine at codon 546 is replaced by methionine, an amino acid with highly similar properties. This amino acid position is conserved. In addition, the in silico prediction for this alteration is inconclusive. Based on the available evidence, the clinical significance of this variant remains unclear.